The following is an entry in ClinVar:

NM_033004.4(NLRP1):c.1478A>G (p.Tyr493Cys)

Gene: NLRP1 (NLR family pyrin domain containing 1; minus strand). Cytogenetic location: 17p13.2.
Variant type: single nucleotide variant.
Coding change: c.1478A>G on transcript NM_033004.4 (MANE Select); coding-DNA position 1478, A replaced by G.
Protein change: p.Tyr493Cys; replaces tyrosine 493 with cysteine.
Molecular consequence: missense variant.
Genome position (GRCh38, 1-based): chr17:5,559,218, T>C on the plus strand (A>G on the coding strand, the complement: NLRP1 is on the minus strand). VCF-style: chr17-5559218-T-C. GRCh37 (hg19) VCF-style: chr17-5462538-T-C.
Other names: c.1478A>G, p.Tyr493Cys (NM_001033053.3, NM_014922.5, NM_033006.4 and 1 more transcripts); short protein forms Y493C.
Identifiers: ClinVar variation 1388297 (VCV001388297.6), dbSNP rs2151802548, ClinGen allele CA397385750.

ClinVar aggregate classification (germline): Uncertain significance (1 of 4 stars; one submission).

Submission:

Labcorp Genetics (formerly Invitae), Labcorp
Classification: Uncertain significance. Last evaluated: 2022-08-19. Review status: criteria provided, single submitter. Criteria: Invitae Variant Classification Sherloc (09022015). Collection method: clinical testing. Allele origin: germline.
Comment: This sequence change replaces tyrosine, which is neutral and polar, with cysteine, which is neutral and slightly polar, at codon 493 of the NLRP1 protein (p.Tyr493Cys). This variant is not present in population databases (gnomAD no frequency). This variant has not been reported in the literature in individuals affected with NLRP1-related conditions. ClinVar contains an entry for this variant (Variation ID: 1388297). Algorithms developed to predict the effect of missense changes on protein structure and function (SIFT, PolyPhen-2, Align-GVGD) all suggest that this variant is likely to be disruptive. In summary, the available evidence is currently insufficient to determine the role of this variant in disease. Therefore, it has been classified as a Variant of Uncertain Significance.